The following is an entry in ClinVar:

ClinVar aggregate classification (germline): Pathogenic. Review status: criteria provided, multiple submitters, no conflicts (2 of 4 stars). 5 submissions from 5 submitters: Pathogenic (5). Last evaluated 2025-10-13.

Conditions:
8q24.3 microdeletion syndrome. Also called: CHROMOSOME 8q24.3 DELETION SYNDROME; Verheij syndrome. Identifiers: Orphanet 508488, MedGen C3810023, MONDO:0014263, OMIM 615583.

Submissions (5):

GeneDx
Classification: Pathogenic. Last evaluated: 2025-10-13. Review status: criteria provided, single submitter. Criteria: GeneDx Variant Classification Process June 2021. Collection method: clinical testing. Allele origin: germline. Affected: yes.
Comment: Frameshift variant predicted to result in protein truncation or nonsense mediated decay in a gene for which loss of function is a known mechanism of disease; Not observed at significant frequency in large population cohorts (gnomAD); This variant is associated with the following publications: (PMID: 33057194, 35982159, 36367278)

Mendelics
Classification: Pathogenic for 8q24.3 microdeletion syndrome. Last evaluated: 2022-05-04. Review status: criteria provided, single submitter. Criteria: Mendelics Assertion Criteria 2019. Collection method: clinical testing. Allele origin: germline.

Victorian Clinical Genetics Services, Murdoch Childrens Research Institute
Classification: Pathogenic for 8q24.3 microdeletion syndrome. Last evaluated: 2021-05-06. Review status: criteria provided, single submitter. Criteria: ACMG Guidelines, 2015. Collection method: clinical testing. Allele origin: germline. Inheritance: Autosomal dominant inheritance.
Comment: Based on the classification scheme VCGS_Germline_v1.3.4, this variant is classified as Pathogenic. Following criteria are met: 0102 - Loss of function is a known mechanism of disease in this gene and is associated with Verheij syndrome (MIM#615583). (I) 0107 - This gene is associated with autosomal dominant disease. (I) 0201 - Variant is predicted to cause nonsense-mediated decay (NMD) and loss of protein (premature termination codon is located at least 54 nucleotides upstream of the final exon-exon junction). (SP) 0251 - This variant is heterozygous. (I) 0301 - Variant is absent from gnomAD (both v2 and v3). (SP) 0701 - Other NMD predicted variants comparable to the one identified in this case have very strong previous evidence for pathogenicity. Other variants also predicted to result in NMD have been reported in individuals with Verheij syndrome. (SP) 0807 - This variant has no previous evidence of pathogenicity. (I) 0905 - No published segregation evidence has been identified for this variant. (I) 1007 - No published functional evidence has been identified for this variant. (SP) Legend: (SP) - Supporting pathogenic, (I) - Information, (SB) - Supporting benign

Clinical Genetics Service, Universitary Hospital 12 de Octubre
Classification: Pathogenic for 8q24.3 microdeletion syndrome. Review status: criteria provided, single submitter. Criteria: ACMG Guidelines, 2015. Collection method: clinical testing. Allele origin: germline. Affected: yes.

Molecular Genetics Lab, CHRU Brest
Classification: Pathogenic for 8q24.3 microdeletion syndrome. Review status: criteria provided, single submitter. Criteria: ACMG Guidelines, 2015. Collection method: clinical testing. Allele origin: de novo. Affected: yes.

NM_078480.3(PUF60):c.382_383del (p.Met128fs)

Gene: PUF60 (poly(U) binding splicing factor 60; minus strand). Cytogenetic location: 8q24.3.
Variant type: Deletion.
Coding change: c.382_383del on transcript NM_078480.3 (MANE Select); coding-DNA positions 382 to 383, 2 bases deleted (AT; older notation c.382_383delAT).
Protein change: p.Met128fs; shifts the reading frame from methionine 128.
Molecular consequence: frameshift variant.
Genome position (GRCh38, 1-based): chr8:143,818,500-143,818,501, AT deleted on the plus strand (AT on the coding strand, the reverse complement: PUF60 is on the minus strand). VCF-style (leftmost placement, unchanged base first): chr8-143818499-CAT-C. GRCh37 (hg19) VCF-style: chr8-144900669-CAT-C.
Other names: c.253_254del, p.Met85fs (NM_001136033.3); c.328_329del, p.Met110fs (NM_001271096.2); c.244_245del, p.Met82fs (NM_001271097.2); c.379_380del, p.Met127fs (NM_001271098.2); c.295_296del, p.Met99fs (NM_001271099.2); c.202_203del, p.Met68fs (NM_001271100.2); c.493_494del, p.Met165fs (NM_001362895.2, NM_001362896.2); c.442_443del, p.Met148fs (NM_001362897.2); and 2 more; short protein forms M110fs, M111fs, M127fs, M128fs, M148fs, M165fs, M68fs, M82fs.
Identifiers: ClinVar variation 1182464 (VCV001182464.7), dbSNP rs2130258214, ClinGen allele CA1139771269.